The following is an entry in ClinVar:

NM_198525.3(KIF7):c.2014G>C (p.Asp672His)

Gene: KIF7 (kinesin family member 7; minus strand). Cytogenetic location: 15q26.1.
Variant type: single nucleotide variant.
Coding change: c.2014G>C on transcript NM_198525.3 (MANE Select); coding-DNA position 2014, G replaced by C.
Protein change: p.Asp672His; replaces aspartic acid 672 with histidine.
Molecular consequence: missense variant.
Genome position (GRCh38, 1-based): chr15:89,645,360, C>G on the plus strand (G>C on the coding strand, the complement: KIF7 is on the minus strand). VCF-style: chr15-89645360-C-G. GRCh37 (hg19) VCF-style: chr15-90188591-C-G.
Other names: c.2014G>C (NM_198525.2); short protein forms D672H.
Identifiers: ClinVar variation 2075154 (VCV002075154.2), dbSNP rs575882014, ClinGen allele CA7728375.

ClinVar aggregate classification (germline): Uncertain significance. Review status: criteria provided, multiple submitters, no conflicts (2 of 4 stars). 2 submissions from 2 submitters: Uncertain significance (2). Last evaluated 2025-03-01.

Conditions:
Inborn genetic diseases. Identifiers: MedGen C0950123, MeSH D030342.
Acrocallosal syndrome (ACLS). Also called: HALLUX DUPLICATION, POSTAXIAL POLYDACTYLY, AND ABSENCE OF CORPUS CALLOSUM; Schinzel syndrome 1; Absence of corpus callosum with unusual facial appearance, mental deficiency, duplication of the halluces and polydactyly. Identifiers: Orphanet 36, MedGen C0796147, MONDO:0008708, OMIM 200990.

Allele frequency attached by ClinVar (database versions not stated): TOPMed 0.00001; ExAC 0.00002; gnomAD 0.00003; 1000 Genomes Project 30x 0.00016; 1000 Genomes Project 0.00020.
gnomAD v4.1: 5 of 1,614,090 alleles (0.00031%); highest among the groups gnomAD compares: African/African-American, 0.0053%; no homozygotes.

Submissions (2):

Ambry Genetics
Classification: Uncertain significance for Inborn genetic diseases. Last evaluated: 2025-03-01. Review status: criteria provided, single submitter. Criteria: Ambry Variant Classification Scheme 2023. Collection method: clinical testing. Allele origin: germline.

Labcorp Genetics (formerly Invitae), Labcorp
Classification: Uncertain significance for Acrocallosal syndrome. Last evaluated: 2022-06-04. Review status: criteria provided, single submitter. Criteria: Invitae Variant Classification Sherloc (09022015). Collection method: clinical testing. Allele origin: germline.
Comment: This sequence change replaces aspartic acid, which is acidic and polar, with histidine, which is basic and polar, at codon 672 of the KIF7 protein (p.Asp672His). This variant is present in population databases (rs575882014, gnomAD 0.007%). This variant has not been reported in the literature in individuals affected with KIF7-related conditions. Algorithms developed to predict the effect of missense changes on protein structure and function (SIFT, PolyPhen-2, Align-GVGD) all suggest that this variant is likely to be tolerated. In summary, the available evidence is currently insufficient to determine the role of this variant in disease. Therefore, it has been classified as a Variant of Uncertain Significance.